The following is an entry in ClinVar:

NM_004990.4(MARS1):c.1369-7A>C

Gene: MARS1 (methionyl-tRNA synthetase 1; plus strand). Cytogenetic location: 12q13.3.
Variant type: single nucleotide variant.
Coding change: c.1369-7A>C on transcript NM_004990.4 (MANE Select); 7 bases into the intron before coding-DNA position 1369, A replaced by C.
Molecular consequence: intron variant.
Genome position (GRCh38, 1-based): chr12:57,511,691, A>C. VCF-style: chr12-57511691-A-C. GRCh37 (hg19) VCF-style: chr12-57905474-A-C.
Identifiers: ClinVar variation 542179 (VCV000542179.11), dbSNP rs377050640, ClinGen allele CA6650508.

ClinVar aggregate classification (germline): Conflicting classifications of pathogenicity. Review status: criteria provided, conflicting classifications (1 of 4 stars). 4 submissions from 4 submitters: Uncertain significance (1); Likely benign (3). Last evaluated 2026-01-13.

Conditions:
MARS1-related disorder. Also called: MARS1-related condition.
Charcot-Marie-Tooth disease axonal type 2U. Also called: CHARCOT-MARIE-TOOTH NEUROPATHY, TYPE 2U; CHARCOT-MARIE-TOOTH DISEASE, AXONAL, AUTOSOMAL DOMINANT, TYPE 2U. Identifiers: Orphanet 397735, MedGen C4084821, MONDO:0014566, OMIM 616280.
Severe early-onset pulmonary alveolar proteinosis due to MARS deficiency. Also called: PULMONARY ALVEOLAR PROTEINOSIS, REUNION ISLAND; Interstitial lung and liver disease. Identifiers: Orphanet 440427, MedGen C4225400, MONDO:0014206, OMIM 615486.

Allele frequency attached by ClinVar (database versions not stated): TOPMed 0.00007; gnomAD exomes 0.00009 and 0.00010; ExAC 0.00013; ESP Exome Variant Server 0.00015; gnomAD 0.00016.
gnomAD v4.1: 143 of 1,613,906 alleles (0.0089%); highest among the groups gnomAD compares: Middle Eastern, 0.016%; no homozygotes.

Submissions (4):

Labcorp Genetics (formerly Invitae), Labcorp
Classification: Likely benign for Charcot-Marie-Tooth disease axonal type 2U; Severe early-onset pulmonary alveolar proteinosis due to MARS deficiency. Last evaluated: 2026-01-13. Review status: criteria provided, single submitter. Criteria: Invitae Variant Classification Sherloc (09022015). Collection method: clinical testing. Allele origin: germline.

PreventionGenetics, part of Exact Sciences
Classification: Likely benign for MARS1-related condition. Last evaluated: 2025-04-10. Review status: criteria provided, single submitter. Criteria: ACMG Guidelines, 2015. Collection method: clinical testing. Allele origin: germline.
Comment: This variant is classified as likely benign based on ACMG/AMP sequence variant interpretation guidelines (Richards et al. 2015 PMID: 25741868, with internal and published modifications).

Blueprint Genetics
Classification: Likely benign. Last evaluated: 2024-11-06. Review status: criteria provided, single submitter. Criteria: ACMG Guidelines, 2015. Collection method: clinical testing. Allele origin: germline.

Baylor Genetics
Classification: Uncertain significance for Charcot-Marie-Tooth disease axonal type 2U. Last evaluated: 2018-04-05. Review status: criteria provided, single submitter. Criteria: ACMG Guidelines, 2015. Collection method: clinical testing. Allele origin: unknown. Affected: yes.
Comment: This variant was determined to be of uncertain significance according to ACMG Guidelines, 2015 [PMID:25741868].